The following is an entry in ClinVar:

ClinVar aggregate classification (germline): Benign. Review status: criteria provided, multiple submitters, no conflicts (2 of 4 stars). 2 submissions from 2 submitters: Benign (2). Last evaluated 2018-06-18.

Allele frequency attached by ClinVar (database versions not stated): 1000 Genomes Project 30x 0.54716; 1000 Genomes Project 0.55691; TOPMed 0.56338; gnomAD 0.57900 and 0.58876; gnomAD exomes 0.79630.
gnomAD v4.1: 89,941 of 152,298 alleles (59%); highest among the groups gnomAD compares: Non-Finnish European, 75%; 30,897 homozygotes.

Submissions (2):

GeneDx
Classification: Benign. Last evaluated: 2018-06-18. Review status: criteria provided, single submitter. Criteria: GeneDx Variant Classification (06012015). Collection method: clinical testing. Allele origin: germline. Affected: yes.
Comment: This variant is considered likely benign or benign based on one or more of the following criteria: it is a conservative change, it occurs at a poorly conserved position in the protein, it is predicted to be benign by multiple in silico algorithms, and/or has population frequency not consistent with disease.

Breakthrough Genomics
Classification: Benign. Review status: criteria provided, single submitter. Criteria: ACMG Guidelines, 2015. Collection method: not provided. Allele origin: germline. Inheritance: Autosomal recessive inheritance. Affected: yes.

NM_152269.5(MTRFR):c.-29+223C>T

Genes: MPHOSPH9 (M-phase phosphoprotein 9; minus strand), MTRFR (mitochondrial translation release factor in rescue; plus strand). Cytogenetic location: 12q24.31.
Variant type: single nucleotide variant.
Coding change: c.-29+223C>T on transcript NM_152269.5 (MANE Select); 223 bases into the intron after 29 bases upstream of the start codon, C replaced by T.
Molecular consequence: intron variant. On other transcripts: 5 prime UTR variant (2).
Genome position (GRCh38, 1-based): chr12:123,233,754, C>T. VCF-style: chr12-123233754-C-T. GRCh37 (hg19) VCF-style: chr12-123718301-C-T.
Other names: c.-169C>T (NM_001143905.2); c.-199C>T (NM_001194995.1).
Identifiers: ClinVar variation 671535 (VCV000671535.2), dbSNP rs1727332, ClinGen allele CA13635642.